The following is an entry in ClinVar:

ClinVar aggregate classification (germline): Uncertain significance (1 of 4 stars; one submission).

Conditions:
3-methylglutaconic aciduria with deafness, encephalopathy, and Leigh-like syndrome (MEGDEL). Also called: 3-METHYLGLUTACONIC ACIDURIA, TYPE VI; SERAC1 Deficiency; MEGDEL syndrome. Identifiers: Orphanet 352328, MedGen C4040739, MONDO:0013875, OMIM 614739.

Allele frequency attached by ClinVar (database versions not stated): gnomAD exomes below 0.00001; gnomAD 0.00001; TOPMed 0.00001.
gnomAD v4.1: 3 of 1,599,726 alleles (0.00019%); highest among the groups gnomAD compares: Admixed American, 0.0017%; no homozygotes.

Submission:

Labcorp Genetics (formerly Invitae), Labcorp
Classification: Uncertain significance for 3-methylglutaconic aciduria with deafness, encephalopathy, and Leigh-like syndrome. Last evaluated: 2022-03-10. Review status: criteria provided, single submitter. Criteria: Invitae Variant Classification Sherloc (09022015). Collection method: clinical testing. Allele origin: germline.
Comment: This sequence change replaces aspartic acid, which is acidic and polar, with glutamic acid, which is acidic and polar, at codon 29 of the SERAC1 protein (p.Asp29Glu). This variant is present in population databases (no rsID available, gnomAD 0.004%). This variant has not been reported in the literature in individuals affected with SERAC1-related conditions. Algorithms developed to predict the effect of missense changes on protein structure and function output the following: SIFT: "Tolerated"; PolyPhen-2: "Benign"; Align-GVGD: "Class C0". The glutamic acid amino acid residue is found in multiple mammalian species, which suggests that this missense change does not adversely affect protein function. In summary, the available evidence is currently insufficient to determine the role of this variant in disease. Therefore, it has been classified as a Variant of Uncertain Significance.

NM_032861.4(SERAC1):c.87T>G (p.Asp29Glu)

Gene: SERAC1 (serine active site containing 1; minus strand). Cytogenetic location: 6q25.3.
Variant type: single nucleotide variant.
Coding change: c.87T>G on transcript NM_032861.4 (MANE Select); coding-DNA position 87, T replaced by G.
Protein change: p.Asp29Glu; replaces aspartic acid 29 with glutamic acid.
Molecular consequence: missense variant. On other transcripts: non-coding transcript variant (1).
Genome position (GRCh38, 1-based): chr6:158,158,277, A>C on the plus strand (T>G on the coding strand, the complement: SERAC1 is on the minus strand). VCF-style: chr6-158158277-A-C. GRCh37 (hg19) VCF-style: chr6-158579309-A-C.
Other names: short protein forms D29E.
Identifiers: ClinVar variation 1369707 (VCV001369707.6), dbSNP rs1404505029, ClinGen allele CA366249840.